The following is an entry in ClinVar:

NC_000009.12:g.91220993dup

Gene: AUH (AU RNA binding methylglutaconyl-CoA hydratase; minus strand). Cytogenetic location: 9q22.31.
Variant type: Duplication.
Genome position: GRCh38 VCF-style: chr9-91220987-T-TC. GRCh37 (hg19) VCF-style: chr9-93983269-T-TC.
Identifiers: ClinVar variation 1444539 (VCV001444539.7), dbSNP rs781142774, ClinGen allele CA589426888.

ClinVar aggregate classification (germline): Pathogenic (1 of 4 stars; one submission).

Conditions:
3-methylglutaconic aciduria type 1 (MGCA1). Identifiers: Orphanet 67046, MedGen C0342727, MONDO:0009610, OMIM 250950.

Submission:

Labcorp Genetics (formerly Invitae), Labcorp
Classification: Pathogenic for 3-methylglutaconic aciduria type 1. Last evaluated: 2022-07-19. Review status: criteria provided, single submitter. Criteria: Invitae Variant Classification Sherloc (09022015). Collection method: clinical testing. Allele origin: germline.
Comment: For these reasons, this variant has been classified as Pathogenic. ClinVar contains an entry for this variant (Variation ID: 1444539). This variant has not been reported in the literature in individuals affected with AUH-related conditions. This variant is present in population databases (no rsID available, gnomAD 0.0009%). This sequence change creates a premature translational stop signal (p.Thr221Aspfs*74) in the AUH gene. It is expected to result in an absent or disrupted protein product. Loss-of-function variants in AUH are known to be pathogenic (PMID: 12655555, 20882351).

Literature cited by the submitters: PubMed 12655555; PubMed 20882351.